The following is an entry in ClinVar:

ClinVar aggregate classification (germline): Uncertain significance. Review status: criteria provided, multiple submitters, no conflicts (2 of 4 stars). 3 submissions from 3 submitters: Uncertain significance (3). Last evaluated 2025-04-09.

Conditions:
Spermatogenic failure 18. Identifiers: MedGen C4539783, MONDO:0054615, OMIM 617576.
Ciliary dyskinesia, primary, 37 (CILD37). Also called: CILIARY DYSKINESIA, PRIMARY, 37, WITH OR WITHOUT SITUS INVERSUS. Identifiers: MedGen C4539798, MONDO:0033204, OMIM 617577.

Allele frequency attached by ClinVar (database versions not stated): ESP Exome Variant Server 0.00008; gnomAD exomes 0.00008; gnomAD 0.00021 and 0.00022; ExAC 0.00022; TOPMed 0.00023.
gnomAD v4.1: 80 of 1,602,478 alleles (0.005%); highest among the groups gnomAD compares: African/African-American, 0.08%; no homozygotes.

Submissions (3):

Labcorp Genetics (formerly Invitae), Labcorp
Classification: Uncertain significance for Ciliary dyskinesia, primary, 37; Spermatogenic failure 18. Last evaluated: 2025-04-09. Review status: criteria provided, single submitter. Criteria: Invitae Variant Classification Sherloc (09022015). Collection method: clinical testing. Allele origin: germline.
Comment: This sequence change replaces arginine, which is basic and polar, with histidine, which is basic and polar, at codon 3787 of the DNAH1 protein (p.Arg3787His). This variant is present in population databases (rs370624357, gnomAD 0.1%). This variant has not been reported in the literature in individuals affected with DNAH1-related conditions. ClinVar contains an entry for this variant (Variation ID: 478397). Invitae Evidence Modeling of protein sequence and biophysical properties (such as structural, functional, and spatial information, amino acid conservation, physicochemical variation, residue mobility, and thermodynamic stability) indicates that this missense variant is expected to disrupt DNAH1 protein function with a positive predictive value of 80%. In summary, the available evidence is currently insufficient to determine the role of this variant in disease. Therefore, it has been classified as a Variant of Uncertain Significance.

Ambry Genetics
Classification: Uncertain significance. Last evaluated: 2024-02-27. Review status: criteria provided, single submitter. Criteria: Ambry Variant Classification Scheme 2023. Collection method: clinical testing. Allele origin: germline.

Blueprint Genetics
Classification: Uncertain significance. Last evaluated: 2020-10-02. Review status: criteria provided, single submitter. Criteria: ACMG Guidelines, 2015. Collection method: clinical testing. Allele origin: germline.

NM_015512.5(DNAH1):c.11360G>A (p.Arg3787His)

Gene: DNAH1 (dynein axonemal heavy chain 1; plus strand). Cytogenetic location: 3p21.1.
Variant type: single nucleotide variant.
Coding change: c.11360G>A on transcript NM_015512.5 (MANE Select); coding-DNA position 11360, G replaced by A.
Protein change: p.Arg3787His; replaces arginine 3787 with histidine.
Molecular consequence: missense variant.
Genome position (GRCh38, 1-based): chr3:52,396,468, G>A. VCF-style: chr3-52396468-G-A. GRCh37 (hg19) VCF-style: chr3-52430484-G-A.
Other names: short protein forms R3787H.
Identifiers: ClinVar variation 478397 (VCV000478397.7), dbSNP rs370624357, ClinGen allele CA2436145.